The following is an entry in ClinVar:

ClinVar aggregate classification (germline): Likely pathogenic (1 of 4 stars; one submission).

Conditions:
Familial adenomatous polyposis 1 (FAP1). Also called: FAMILIAL ADENOMATOUS POLYPOSIS 1, ATTENUATED; POLYPOSIS, ADENOMATOUS INTESTINAL. Identifiers: MedGen C2713442, MONDO:0021056, OMIM 175100. Disease mechanism: loss of function.

Submission:

Programa de cancer hereditario, Instituto de medicina traslacional e ingenieria biomedica, Hospital Italiano de Buenos Aires
Classification: Likely pathogenic for Familial adenomatous polyposis 1. Last evaluated: 2025-11-01. Review status: criteria provided, single submitter. Criteria: Yin et al. (Am J Hum Genet. 2024). Collection method: research. Allele origin: germline. Affected: yes.
Comment: Evaluation following ClinGen Hereditary Cancer VCEP guidelines identifies this variant as Likely Pathogenic. Criteria met: PVS1: Null variant (nonsense, frameshift, canonical ±1 or 2 splice sites, initiation codon, single or multi-exon deletion) in a gene where LOF is a known mechanism of disease. PM2 (Supporting): Absent from controls (or at extremely low frequency) in ExAC, gnomAD, or 1000 Genomes.

NM_000038.6(APC):c.2450del (p.Gly817fs)

Gene: APC (APC regulator of Wnt signaling pathway; plus strand). Cytogenetic location: 5q22.2.
Variant type: Deletion.
Coding change: c.2450del on transcript NM_000038.6 (MANE Select); coding-DNA position 2450, one base deleted (G; older notation c.2450delG).
Protein change: p.Gly817fs; shifts the reading frame from glycine 817.
Molecular consequence: frameshift variant. On other transcripts: non-coding transcript variant (2).
Genome position (GRCh38, 1-based): chr5:112,838,044, G deleted; the last of 2 consecutive G bases (chr5:112,838,043-112,838,044); deleting either gives the same sequence. VCF-style (leftmost placement, unchanged base first): chr5-112838042-TG-T. GRCh37 (hg19) VCF-style: chr5-112173739-TG-T.
Other names: c.2450del, p.Gly817fs (NM_001127510.3, NM_001354895.2, NM_001407450.1); c.2396del, p.Gly799fs (NM_001127511.3); c.2504del, p.Gly835fs (NM_001354896.2, NM_001407447.1, NM_001407448.1 and 1 more transcripts); c.2480del, p.Gly827fs (NM_001354897.2); c.2375del, p.Gly792fs (NM_001354898.2); c.2366del, p.Gly789fs (NM_001354899.2); c.2327del, p.Gly776fs (NM_001354900.2); c.2273del, p.Gly758fs (NM_001354901.2, NM_001407453.1); and 12 more; short protein forms G433fs, G534fs, G657fs, G688fs, G691fs, G716fs, G726fs, G734fs.
Identifiers: ClinVar variation 4533202 (VCV004533202.1).
Genomic context (GRCh38, chr5:112,838,042, plus strand): 5'-TGGTGATTATGTTTTTGACACCAATCGACATGATGATAATAGGTCAGACAATTTTAATAC[TG>T]GCAACATGACTGTCCTTTCACCATATTTGAATACTACAGTGTTACCCAGCTCCTCTTCAT-3'